The following is an entry in ClinVar:

ClinVar aggregate classification (germline): Uncertain significance (1 of 4 stars; one submission).

Conditions:
Cardiovascular phenotype. Identifiers: MedGen CN230736.

Submission:

Ambry Genetics
Classification: Uncertain significance for Cardiovascular phenotype. Last evaluated: 2025-09-17. Review status: criteria provided, single submitter. Criteria: Ambry Variant Classification Scheme 2023. Collection method: clinical testing. Allele origin: germline.
Comment: The p.C625G variant (also known as c.1873T>G), located in coding exon 2 of the TNXB gene, results from a T to G substitution at nucleotide position 1873. The cysteine at codon 625 is replaced by glycine, an amino acid with highly dissimilar properties. This amino acid position is conserved. In addition, this alteration is predicted to be deleterious by in silico analysis. Based on the available evidence, the clinical significance of this variant remains unclear.

NM_001365276.2(TNXB):c.1873T>G (p.Cys625Gly)

Gene: TNXB (tenascin XB; minus strand). Cytogenetic location: 6p21.33.
Variant type: single nucleotide variant.
Coding change: c.1873T>G on transcript NM_001365276.2 (MANE Select); coding-DNA position 1873, T replaced by G.
Protein change: p.Cys625Gly; replaces cysteine 625 with glycine.
Molecular consequence: missense variant.
Genome position (GRCh38, 1-based): chr6:32,095,980, A>C on the plus strand (T>G on the coding strand, the complement: TNXB is on the minus strand). VCF-style: chr6-32095980-A-C. GRCh37 (hg19) VCF-style: chr6-32063757-A-C.
Other names: c.1873T>G, p.Cys625Gly (NM_001428335.1, NM_019105.8); short protein forms C625G.
Identifiers: ClinVar variation 4615137 (VCV004615137.1).
Genomic context (GRCh38, chr6:32,095,980, plus strand): 5'-GGCCGGTGTAGCCTGGGTCGCACAGGCAGCGCCCTTCCTCACAGCGGCCCCTCCCGTGGC[A>C]GTTGGAGGGGCAGGTGCGGATGCTGCAGTCCTCACTCACGTAGCCTTCCCAACAGATGCA-3'
Protein context (NP_001352205.1, residues 615-635): DCSIRTCPSN[Cys625Gly]HGRGRCEEGR